The following is an entry in ClinVar:

NM_001358921.2(COQ2):c.823A>G (p.Thr275Ala)

Gene: COQ2 (coenzyme Q2, polyprenyltransferase; minus strand). Cytogenetic location: 4q21.23.
Variant type: single nucleotide variant.
Coding change: c.823A>G on transcript NM_001358921.2 (MANE Select); coding-DNA position 823, A replaced by G.
Protein change: p.Thr275Ala; replaces threonine 275 with alanine.
Molecular consequence: missense variant.
Genome position (GRCh38, 1-based): chr4:83,267,714, T>C on the plus strand (A>G on the coding strand, the complement: COQ2 is on the minus strand). VCF-style: chr4-83267714-T-C. GRCh37 (hg19) VCF-style: chr4-84188867-T-C.
Other names: c.973A>G, p.Thr325Ala (NM_015697.9); short protein forms T275A, T325A.
Identifiers: ClinVar variation 3356491 (VCV003356491.7).

ClinVar aggregate classification (germline): Conflicting classifications of pathogenicity. Review status: criteria provided, conflicting classifications (1 of 4 stars). 5 submissions from 5 submitters: Pathogenic (1); Likely pathogenic (2); Uncertain significance (1). 1 of the submissions does not count toward it. Last evaluated 2024-12-20.

Conditions:
Inborn genetic diseases. Identifiers: MedGen C0950123, MeSH D030342.
Multiple system atrophy 1, susceptibility to. Also called: MSA1, SUSCEPTIBILITY TO. Identifiers: MedGen C3714927, MONDO:0020715, OMIM 146500.
Coenzyme Q10 deficiency, primary, 1. Also called: UBIQUINONE DEFICIENCY 1; COENZYME Q DEFICIENCY 1; CoQ DEFICIENCY 1. Identifiers: Orphanet 255249, MedGen C3551954, MONDO:0011829, OMIM 607426.
COQ2-related disorder. Also called: COQ2-related condition.

gnomAD v4.1: 18 of 1,553,440 alleles (0.0012%); highest among the groups gnomAD compares: East Asian, 0.032%; no homozygotes.

Submissions (5):

Ambry Genetics
Classification: Uncertain significance for Inborn genetic diseases. Last evaluated: 2024-12-20. Review status: criteria provided, single submitter. Criteria: Ambry Variant Classification Scheme 2023. Collection method: clinical testing. Allele origin: germline.

Labcorp Genetics (formerly Invitae), Labcorp
Classification: Likely pathogenic. Last evaluated: 2024-10-21. Review status: criteria provided, single submitter. Criteria: Invitae Variant Classification Sherloc (09022015). Collection method: clinical testing. Allele origin: germline.
Comment: This sequence change replaces threonine, which is neutral and polar, with alanine, which is neutral and non-polar, at codon 325 of the COQ2 protein (p.Thr325Ala). This variant is present in population databases (rs769971059, gnomAD 0.07%). This missense change has been observed in individual(s) with COQ2-related conditions (PMID: 29637272, 30180404, 31328266, 33397173, 34084467). In at least one individual the data is consistent with being in trans (on the opposite chromosome) from a pathogenic variant. It has also been observed to segregate with disease in related individuals. Invitae Evidence Modeling of protein sequence and biophysical properties (such as structural, functional, and spatial information, amino acid conservation, physicochemical variation, residue mobility, and thermodynamic stability) indicates that this missense variant is not expected to disrupt COQ2 protein function with a negative predictive value of 80%. In summary, the currently available evidence indicates that the variant is pathogenic, but additional data are needed to prove that conclusively. Therefore, this variant has been classified as Likely Pathogenic.

Blueprint Genetics
Classification: Pathogenic for COQ2-related disorders. Last evaluated: 2022-10-06. Review status: criteria provided, single submitter. Criteria: ACMG Guidelines, 2015. Collection method: clinical testing. Allele origin: germline. Affected: yes. Observed: 3 variant alleles.

Juno Genomics, Hangzhou Juno Genomics, Inc
Classification: Likely pathogenic for Multiple system atrophy 1, susceptibility to; Coenzyme Q10 deficiency, primary, 1. Review status: criteria provided, single submitter. Criteria: ACMG Guidelines, 2015. Collection method: clinical testing. Allele origin: germline.
Comment: Absent from controls (or at extremely low frequency if recessive) in Genome Aggregation Database.;Multiple lines of computational evidence support a deleterious effect on the gene or gene product.;For recessive disorders, detected in trans with a pathogenic variant.;Patient's phenotype or family history is highly specific for a disease with a single genetic etiology.;Co-segregation with disease in multiple affected family members.

PreventionGenetics, part of Exact Sciences
Classification: Likely pathogenic for COQ2-related condition. Last evaluated: 2024-06-20. Review status: no assertion criteria provided. Collection method: clinical testing. Allele origin: germline. Not counted in ClinVar's aggregate classification.
Comment: The COQ2 c.973A>G variant is predicted to result in the amino acid substitution p.Thr325Ala. This variant has been reported in the compound heterozygous state in at least seven individuals with nephrotic syndrome (Table S1, Starr et al. 2018. PubMed ID: 29637272; Table S3, Rao et al. 2019. PubMed ID: 31328266; Table S1, Drovandi et al. 2022. PubMed ID: 35483523). This variant has also been reported in the heterozygous state in an individual with nephropathy (Ni et al. 2021. PubMed ID: 34084467) and Parkinson's (Table S12-4, Chen et al. 2022. PubMed ID: 35861376). This variant is reported in 0.071% of alleles in individuals of East Asian descent in gnomAD. This variant is interpreted as likely pathogenic for autosomal recessive COQ2-related disease.

Literature cited by the submitters: PubMed 29637272 (cited by Ambry Genetics and Labcorp Genetics (formerly Invitae), Labcorp); PubMed 31328266 (cited by Ambry Genetics and Labcorp Genetics (formerly Invitae), Labcorp); PubMed 33397173 (cited by Ambry Genetics and Labcorp Genetics (formerly Invitae), Labcorp); PubMed 38838054 (cited by Ambry Genetics); PubMed 30180404 (cited by Labcorp Genetics (formerly Invitae), Labcorp); PubMed 34084467 (cited by Labcorp Genetics (formerly Invitae), Labcorp).